The following is an entry in ClinVar:

NM_000548.5(TSC2):c.3814+9C>A

Gene: TSC2 (TSC complex subunit 2; plus strand). Cytogenetic location: 16p13.3.
Variant type: single nucleotide variant.
Coding change: c.3814+9C>A on transcript NM_000548.5 (MANE Select); 9 bases into the intron after coding-DNA position 3814, C replaced by A.
Molecular consequence: intron variant.
Genome position (GRCh38, 1-based): chr16:2,081,807, C>A. VCF-style: chr16-2081807-C-A. GRCh37 (hg19) VCF-style: chr16-2131808-C-A.
Other names: c.3814+9C>A (NM_001114382.3); c.3685+9C>A (NM_021055.3, NM_001370405.1, NM_001363528.2); c.3682+9C>A (NM_001370404.1, NM_001077183.3); c.3574+9C>A (NM_001318827.2); c.3082+9C>A (NM_001318831.2); c.3538+9C>A (NM_001318829.2); c.3715+9C>A (NM_001318832.2).
Identifiers: ClinVar variation 761813 (VCV000761813.11), dbSNP rs371944932, ClinGen allele CA048638.

ClinVar aggregate classification (germline): Benign/Likely benign. Review status: criteria provided, multiple submitters, no conflicts (2 of 4 stars). 2 submissions from 2 submitters: Benign (1); Likely benign (1). Last evaluated 2025-11-25.

Conditions:
Tuberous sclerosis 2 (TSC2). Identifiers: Orphanet 805, MedGen C1860707, MONDO:0013199, OMIM 613254.

Allele frequency attached by ClinVar (database versions not stated): gnomAD exomes 0.00001; TOPMed 0.00001; ExAC 0.00002; ESP Exome Variant Server 0.00015.

Submissions (2):

Labcorp Genetics (formerly Invitae), Labcorp
Classification: Likely benign for Tuberous sclerosis 2. Last evaluated: 2025-11-25. Review status: criteria provided, single submitter. Criteria: Invitae Variant Classification Sherloc (09022015). Collection method: clinical testing. Allele origin: germline.

Myriad Genetics, Inc.
Classification: Benign for Tuberous sclerosis 2. Last evaluated: 2024-09-09. Review status: criteria provided, single submitter. Criteria: Myriad Autosomal Dominant, Autosomal Recessive and X-Linked Classification Criteria (2023). Collection method: clinical testing. Allele origin: unknown.
Comment: This variant is considered benign. This variant is intronic and is not expected to impact mRNA splicing. This variant has been observed at a population frequency that is significantly greater than expected given the associated disease prevalence and penetrance.